The following is an entry in ClinVar:

NM_144670.6(A2ML1):c.970+200C>T

Gene: A2ML1 (alpha-2-macroglobulin like 1; plus strand). Cytogenetic location: 12p13.31.
Variant type: single nucleotide variant.
Coding change: c.970+200C>T on transcript NM_144670.6 (MANE Select); 200 bases into the intron after coding-DNA position 970, C replaced by T.
Molecular consequence: intron variant.
Genome position (GRCh38, 1-based): chr12:8,838,650, C>T. VCF-style: chr12-8838650-C-T. GRCh37 (hg19) VCF-style: chr12-8991246-C-T.
Identifiers: ClinVar variation 561553 (VCV000561553.2), dbSNP rs10734734, ClinGen allele CA13613179.

ClinVar aggregate classification (germline): Benign. Review status: criteria provided, multiple submitters, no conflicts (2 of 4 stars). 2 submissions from 2 submitters: Benign (2). Last evaluated 2018-06-14.

Allele frequency attached by ClinVar (database versions not stated): gnomAD 0.75544 and 0.76771; TOPMed 0.76222; 1000 Genomes Project 30x 0.81527; 1000 Genomes Project 0.82648.
gnomAD v4.1: 116,780 of 151,880 alleles (77%); highest among the groups gnomAD compares: East Asian, 100%; 46,200 homozygotes.

Submissions (2):

GeneDx
Classification: Benign. Last evaluated: 2018-06-14. Review status: criteria provided, single submitter. Criteria: GeneDx Variant Classification (06012015). Collection method: clinical testing. Allele origin: germline. Affected: yes.
Comment: This variant is considered likely benign or benign based on one or more of the following criteria: it is a conservative change, it occurs at a poorly conserved position in the protein, it is predicted to be benign by multiple in silico algorithms, and/or has population frequency not consistent with disease.

Breakthrough Genomics
Classification: Benign. Review status: criteria provided, single submitter. Criteria: ACMG Guidelines, 2015. Collection method: not provided. Allele origin: germline. Inheritance: Autosomal dominant inheritance. Affected: yes.